The following is an entry in ClinVar:

NM_001999.4(FBN2):c.1604-2A>G

Gene: FBN2 (fibrillin 2; minus strand). Cytogenetic location: 5q23.3.
Variant type: single nucleotide variant.
Coding change: c.1604-2A>G on transcript NM_001999.4 (MANE Select); the canonical splice acceptor site of the intron before coding-DNA position 1604, A replaced by G.
Molecular consequence: splice acceptor variant.
Genome position (GRCh38, 1-based): chr5:128,378,892, T>C on the plus strand (A>G on the coding strand, the complement: FBN2 is on the minus strand). VCF-style: chr5-128378892-T-C. GRCh37 (hg19) VCF-style: chr5-127714585-T-C.
Identifiers: ClinVar variation 4728669 (VCV004728669.1).
Genomic context (GRCh38, chr5:128,378,892, plus strand): 5'-ACCAGGTGTGTTAACACAATCTCCATTAGTGCAGGGATTTGATGTGCATTCATCAACATC[T>C]GTGAGCAGCAAAAGAAACCATTATAGACTTCACTCCATTTGTAGAAATGTTTGTTTAAAG-3'

ClinVar aggregate classification (germline): Uncertain significance (1 of 4 stars; one submission).

Conditions:
Congenital contractural arachnodactyly (CCA). Also called: Beals-Hecht syndrome; BEALS SYNDROME; Arthrogryposis, distal, type 9. Identifiers: Orphanet 115, MedGen C0220668, MONDO:0007363, OMIM 121050.

Submission:

Labcorp Genetics (formerly Invitae), Labcorp
Classification: Uncertain significance for Congenital contractural arachnodactyly. Last evaluated: 2025-10-07. Review status: criteria provided, single submitter. Criteria: Invitae Variant Classification Sherloc (09022015). Collection method: clinical testing. Allele origin: germline.
Comment: This sequence change affects an acceptor splice site in intron 11 of the FBN2 gene. It is expected to disrupt RNA splicing. Variants that disrupt the donor or acceptor splice site typically lead to a loss of protein function (PMID: 16199547), however the current clinical and genetic evidence is not sufficient to establish whether loss-of-function variants in FBN2 cause disease. This variant is not present in population databases (gnomAD no frequency). This variant has not been reported in the literature in individuals affected with FBN2-related conditions. Algorithms developed to predict the effect of sequence changes on RNA splicing suggest that this variant may disrupt the consensus splice site. In summary, the available evidence is currently insufficient to determine the role of this variant in disease. Therefore, it has been classified as a Variant of Uncertain Significance.

Literature cited by the submitters: PubMed 16199547.